The following is an entry in ClinVar:

ClinVar aggregate classification (germline): Uncertain significance (1 of 4 stars; one submission).

Submission:

Ambry Genetics
Classification: Uncertain significance. Last evaluated: 2023-08-24. Review status: criteria provided, single submitter. Criteria: Ambry Variant Classification Scheme 2023. Collection method: clinical testing. Allele origin: germline.
Comment: The p.V243M variant (also known as c.727G>A), located in coding exon 1 of the EGLN2 gene, results from a G to A substitution at nucleotide position 727. The valine at codon 243 is replaced by methionine, an amino acid with highly similar properties. This amino acid position is conserved. In addition, the in silico prediction for this alteration is inconclusive. Since supporting evidence is limited at this time, the clinical significance of this alteration remains unclear.

NM_080732.4(EGLN2):c.727G>A (p.Val243Met)

Genes: EGLN2 (egl-9 family hypoxia inducible factor 2; plus strand), RAB4B-EGLN2 (RAB4B-EGLN2 readthrough (NMD candidate); plus strand). Cytogenetic location: 19q13.2.
Variant type: single nucleotide variant.
Coding change: c.727G>A on transcript NM_080732.4 (MANE Select); coding-DNA position 727, G replaced by A.
Protein change: p.Val243Met; replaces valine 243 with methionine.
Molecular consequence: missense variant. On other transcripts: non-coding transcript variant (1).
Genome position (GRCh38, 1-based): chr19:40,801,299, G>A. VCF-style: chr19-40801299-G-A. GRCh37 (hg19) VCF-style: chr19-41307204-G-A.
Other names: c.727G>A, p.Val243Met (NM_053046.4); short protein forms V243M.
Identifiers: ClinVar variation 2626069 (VCV002626069.2), dbSNP rs2515995388, ClinGen allele CA405955853.